The following is an entry in ClinVar:

ClinVar aggregate classification (germline): Uncertain significance (1 of 4 stars; one submission).

Conditions:
Frontometaphyseal dysplasia (FMD1). Identifiers: Orphanet 1826, MedGen C0265293, MONDO:0015942.
Oto-palato-digital syndrome, type II (OPD2). Also called: FACIOPALATOOSSEOUS SYNDROME; Otopalatodigital Syndrome, Type II; Otopalatodigital Syndrome Type 2 (FLNA-OPD2); OPD II SYNDROME. Identifiers: Orphanet 669, Orphanet 90652, MedGen C1844696, MONDO:0010571, OMIM 304120.
Heterotopia, periventricular, X-linked dominant (PVNH1). Also called: PERIVENTRICULAR NODULAR HETEROTOPIA 4; HETEROTOPIA, PERIVENTRICULAR, 1; PERIVENTRICULAR NODULAR HETEROTOPIA 1; X-linked periventricular heterotopia. Identifiers: Orphanet 2149, Orphanet 82004, MedGen C1848213, MONDO:0010233, OMIM 300049.
Melnick-Needles syndrome (MNS). Also called: Melnick-Needles Syndrome (FLNA-MNS); MELNICK-NEEDLES OSTEODYSPLASTY; OSTEODYSPLASTY OF MELNICK AND NEEDLES. Identifiers: Orphanet 2484, MedGen C0025237, MONDO:0010650, OMIM 309350.

Allele frequency attached by ClinVar (database versions not stated): TOPMed below 0.00001; gnomAD 0.00001.

Submission:

Labcorp Genetics (formerly Invitae), Labcorp
Classification: Uncertain significance for Oto-palato-digital syndrome, type II; Heterotopia, periventricular, X-linked dominant; Frontometaphyseal dysplasia; Melnick-Needles syndrome. Last evaluated: 2018-09-27. Review status: criteria provided, single submitter. Criteria: Invitae Variant Classification Sherloc (09022015). Collection method: clinical testing. Allele origin: germline.
Comment: This variant is not present in population databases (ExAC no frequency). This sequence change replaces serine with glycine at codon 3 of the FLNA protein (p.Ser3Gly). The serine residue is moderately conserved and there is a small physicochemical difference between serine and glycine. This variant has not been reported in the literature in individuals with FLNA-related disease. Algorithms developed to predict the effect of missense changes on protein structure and function are either unavailable or do not agree on the potential impact of this missense change (SIFT: "Tolerated"; PolyPhen-2: "Not available"; Align-GVGD: "Class C0"). In summary, the available evidence is currently insufficient to determine the role of this variant in disease. Therefore, it has been classified as a Variant of Uncertain Significance.

NM_001110556.2(FLNA):c.7A>G (p.Ser3Gly)

Gene: FLNA (filamin A; minus strand). Cytogenetic location: Xq28.
Variant type: single nucleotide variant.
Coding change: c.7A>G on transcript NM_001110556.2 (MANE Select); coding-DNA position 7, A replaced by G.
Protein change: p.Ser3Gly; replaces serine 3 with glycine.
Molecular consequence: missense variant.
Genome position (GRCh38, 1-based): chrX:154,371,239, T>C on the plus strand (A>G on the coding strand, the complement: FLNA is on the minus strand). VCF-style: chrX-154371239-T-C. GRCh37 (hg19) VCF-style: chrX-153599607-T-C.
Other names: c.7A>G, p.Ser3Gly (NM_001456.4); short protein forms S3G.
Identifiers: ClinVar variation 658824 (VCV000658824.10), dbSNP rs1430045418, ClinGen allele CA415255933.